The following is an entry in ClinVar:

ClinVar aggregate classification (germline): Conflicting classifications of pathogenicity. Review status: criteria provided, conflicting classifications (1 of 4 stars). 4 submissions from 4 submitters: Pathogenic (1); Likely pathogenic (2); Uncertain significance (1). Last evaluated 2025-10-06.

Conditions:
MAK-related disorder. Also called: MAK-related condition.
Retinitis pigmentosa 62 (RP62). Identifiers: Orphanet 791, MedGen C3280042, MONDO:0013611, OMIM 614181.

Allele frequency attached by ClinVar (database versions not stated): gnomAD 0.00002 and 0.00003; gnomAD exomes 0.00002; TOPMed 0.00005.
gnomAD v4.1: 10 of 1,486,838 alleles (0.00067%); highest among the groups gnomAD compares: African/African-American, 0.014%; no homozygotes.

Submissions (4):

PreventionGenetics, part of Exact Sciences
Classification: Likely pathogenic for MAK-related condition. Last evaluated: 2025-10-06. Review status: criteria provided, single submitter. Criteria: ACMG Guidelines, 2015. Collection method: clinical testing. Allele origin: germline.
Comment: The MAK c.1600G>T variant is predicted to result in premature protein termination (p.Glu534*). To our knowledge, this variant has not been previously reported in the literature in association with disease. This variant is reported in 0.033% of alleles in individuals of African descent in gnomAD. Loss-of-function is considered a mechanism of disease for the MAK gene. Taken together, we classify this variant as likely pathogenic.

Labcorp Genetics (formerly Invitae), Labcorp
Classification: Pathogenic. Last evaluated: 2025-08-30. Review status: criteria provided, single submitter. Criteria: Invitae Variant Classification Sherloc (09022015). Collection method: clinical testing. Allele origin: germline.
Comment: This sequence change creates a premature translational stop signal (p.Glu534*) in the MAK gene. It is expected to result in an absent or disrupted protein product. Loss-of-function variants in MAK are known to be pathogenic (PMID: 21148103, 21825139, 24938718, 29781741). This variant is present in population databases (no rsID available, gnomAD 0.03%). This variant has not been reported in the literature in individuals affected with MAK-related conditions. ClinVar contains an entry for this variant (Variation ID: 958267). Algorithms developed to predict the effect of sequence changes on RNA splicing suggest that this variant may disrupt the consensus splice site. For these reasons, this variant has been classified as Pathogenic.

Fulgent Genetics
Classification: Likely pathogenic for Retinitis pigmentosa 62. Last evaluated: 2024-06-17. Review status: criteria provided, single submitter. Criteria: ACMG Guidelines, 2015. Collection method: clinical testing. Allele origin: germline.

Blueprint Genetics
Classification: Uncertain significance. Last evaluated: 2021-03-18. Review status: criteria provided, single submitter. Criteria: ACMG Guidelines, 2015. Collection method: clinical testing. Allele origin: germline.

Literature cited by the submitters: PubMed 21148103 (cited by Labcorp Genetics (formerly Invitae), Labcorp); PubMed 21825139 (cited by Labcorp Genetics (formerly Invitae), Labcorp); PubMed 24938718 (cited by Labcorp Genetics (formerly Invitae), Labcorp); PubMed 29781741 (cited by Labcorp Genetics (formerly Invitae), Labcorp).

NM_001242957.3(MAK):c.1600G>T (p.Glu534Ter)

Gene: MAK (male germ cell associated kinase; minus strand). Cytogenetic location: 6p24.2.
Variant type: single nucleotide variant.
Coding change: c.1600G>T on transcript NM_001242957.3 (MANE Select); coding-DNA position 1600, G replaced by T.
Protein change: p.Glu534Ter; replaces glutamic acid 534 with a stop codon.
Molecular consequence: nonsense. On other transcripts: intron variant (3).
Genome position (GRCh38, 1-based): chr6:10,773,106, C>A on the plus strand (G>T on the coding strand, the complement: MAK is on the minus strand). VCF-style: chr6-10773106-C-A. GRCh37 (hg19) VCF-style: chr6-10773339-C-A.
Other names: c.1495+2222G>T (NM_001377262.1); c.1597+2222G>T (NM_005906.6, NM_001242385.2); short protein forms E534*.
Identifiers: ClinVar variation 958267 (VCV000958267.10), dbSNP rs926585713, ClinGen allele CA134100527.